The following is an entry in ClinVar:

NM_001376.5(DYNC1H1):c.2275C>T (p.Arg759Cys)

Gene: DYNC1H1 (dynein cytoplasmic 1 heavy chain 1; plus strand). Cytogenetic location: 14q32.31.
Variant type: single nucleotide variant.
Coding change: c.2275C>T on transcript NM_001376.5 (MANE Select); coding-DNA position 2275, C replaced by T.
Protein change: p.Arg759Cys; replaces arginine 759 with cysteine.
Molecular consequence: missense variant.
Genome position (GRCh38, 1-based): chr14:101,986,500, C>T. VCF-style: chr14-101986500-C-T. GRCh37 (hg19) VCF-style: chr14-102452837-C-T.
Other names: short protein forms R759C.
Identifiers: ClinVar variation 1217636 (VCV001217636.8), dbSNP rs1303476982, ClinGen allele CA391022484.

ClinVar aggregate classification (germline): Conflicting classifications of pathogenicity. Review status: criteria provided, conflicting classifications (1 of 4 stars). 3 submissions from 3 submitters: Likely pathogenic (2); Uncertain significance (1). Last evaluated 2024-06-11.

Conditions:
Charcot-Marie-Tooth disease axonal type 2O. Also called: CHARCOT-MARIE-TOOTH NEUROPATHY, AXONAL, TYPE 2O; CHARCOT-MARIE-TOOTH DISEASE, AXONAL, AUTOSOMAL DOMINANT, TYPE 2O; Charcot-Marie-Tooth Neuropathy Type 2O; Charcot-Marie-Tooth disease, axonal, type 20. Identifiers: Orphanet 284232, MedGen C3280220, MONDO:0013644, OMIM 614228.

Submissions (3):

GeneDx
Classification: Likely pathogenic. Last evaluated: 2024-06-11. Review status: criteria provided, single submitter. Criteria: GeneDx Variant Classification Process June 2021. Collection method: clinical testing. Allele origin: germline. Affected: yes.
Comment: Not observed at significant frequency in large population cohorts (gnomAD); In silico analysis supports that this missense variant has a deleterious effect on protein structure/function; This variant is associated with the following publications: (PMID: 25512093, 25609763, 26100331, 35231114)

Labcorp Genetics (formerly Invitae), Labcorp
Classification: Uncertain significance for Charcot-Marie-Tooth disease axonal type 2O. Last evaluated: 2023-02-14. Review status: criteria provided, single submitter. Criteria: Invitae Variant Classification Sherloc (09022015). Collection method: clinical testing. Allele origin: germline.
Comment: This sequence change replaces arginine, which is basic and polar, with cysteine, which is neutral and slightly polar, at codon 759 of the DYNC1H1 protein (p.Arg759Cys). This variant is not present in population databases (gnomAD no frequency). This missense change has been observed in individual(s) with DYNC1H1-related conditions (PMID: 35231114). ClinVar contains an entry for this variant (Variation ID: 1217636). Advanced modeling of protein sequence and biophysical properties (such as structural, functional, and spatial information, amino acid conservation, physicochemical variation, residue mobility, and thermodynamic stability) performed at Invitae indicates that this missense variant is expected to disrupt DYNC1H1 protein function. In summary, the available evidence is currently insufficient to determine the role of this variant in disease. Therefore, it has been classified as a Variant of Uncertain Significance.

Clinical Genetics Laboratory, Skane University Hospital Lund
Classification: Likely pathogenic. Last evaluated: 2022-05-27. Review status: criteria provided, single submitter. Criteria: ACMG Guidelines, 2015. Collection method: clinical testing. Allele origin: germline. Affected: yes.

Literature cited by the submitters: PubMed 35231114 (cited by Labcorp Genetics (formerly Invitae), Labcorp).